The following is an entry in ClinVar:

ClinVar aggregate classification (germline): Uncertain significance (1 of 4 stars; one submission).

Conditions:
Neurofibromatosis, type 1 (NF1). Also called: VON RECKLINGHAUSEN DISEASE; NEUROFIBROMATOSIS, TYPE I, SOMATIC; Neurofibromatosis, type I; Peripheral type neurofibromatosis. Identifiers: Orphanet 636, MedGen C0027831, MONDO:0018975, OMIM 162200. Disease mechanism: loss of function.

Submission:

Labcorp Genetics (formerly Invitae), Labcorp
Classification: Uncertain significance for Neurofibromatosis, type 1. Last evaluated: 2020-11-13. Review status: criteria provided, single submitter. Criteria: Invitae Variant Classification Sherloc (09022015). Collection method: clinical testing. Allele origin: germline.
Comment: This variant is not present in population databases (ExAC no frequency). This sequence change replaces serine with proline at codon 2111 of the NF1 protein (p.Ser2111Pro). The serine residue is highly conserved and there is a moderate physicochemical difference between serine and proline. This variant has not been reported in the literature in individuals with NF1-related conditions. Advanced modeling of protein sequence and biophysical properties (such as structural, functional, and spatial information, amino acid conservation, physicochemical variation, residue mobility, and thermodynamic stability) performed at Invitae indicates that this missense variant is expected to disrupt NF1 protein function. In summary, the available evidence is currently insufficient to determine the role of this variant in disease. Therefore, it has been classified as a Variant of Uncertain Significance.

NM_001042492.3(NF1):c.6394T>C (p.Ser2132Pro)

Gene: NF1 (neurofibromin 1; plus strand). Cytogenetic location: 17q11.2.
Variant type: single nucleotide variant.
Coding change: c.6394T>C on transcript NM_001042492.3 (MANE Select); coding-DNA position 6394, T replaced by C.
Protein change: p.Ser2132Pro; replaces serine 2132 with proline.
Molecular consequence: missense variant.
Genome position (GRCh38, 1-based): chr17:31,336,881, T>C. VCF-style: chr17-31336881-T-C. GRCh37 (hg19) VCF-style: chr17-29663899-T-C.
Other names: c.6331T>C, p.Ser2111Pro (NM_000267.4); short protein forms S2132P, S2111P.
Identifiers: ClinVar variation 1422558 (VCV001422558.8), dbSNP rs2151555087, ClinGen allele CA399012895.